The following is an entry in ClinVar:

ClinVar aggregate classification (germline): Pathogenic. Review status: criteria provided, multiple submitters, no conflicts (2 of 4 stars). 4 submissions from 4 submitters: Pathogenic (4). Last evaluated 2026-01-05.

Conditions:
SLC12A1-related disorder. Also called: SLC12A1-related condition.
Bartter disease type 1. Also called: HYPERPROSTAGLANDIN E SYNDROME 1; Bartter Syndrome type 1; Bartter syndrome, type 1, antenatal; HYPOKALEMIC ALKALOSIS WITH HYPERCALCIURIA 1, ANTENATAL. Identifiers: Orphanet 112, Orphanet 620217, MedGen C1866495, MONDO:0100344, OMIM 601678, MONDO:0011127.

Allele frequency attached by ClinVar (database versions not stated): ExAC 0.00002; gnomAD 0.00002; TOPMed 0.00002; gnomAD exomes 0.00003.
gnomAD v4.1: 38 of 1,574,396 alleles (0.0024%); highest among the groups gnomAD compares: Non-Finnish European, 0.0032%; no homozygotes.

Submissions (4):

Labcorp Genetics (formerly Invitae), Labcorp
Classification: Pathogenic. Last evaluated: 2026-01-05. Review status: criteria provided, single submitter. Criteria: Invitae Variant Classification Sherloc (09022015). Collection method: clinical testing. Allele origin: germline.
Comment: This sequence change affects a donor splice site in intron 26 of the SLC12A1 gene. While this variant is not anticipated to result in nonsense mediated decay, it likely alters RNA splicing and results in a disrupted protein product. The frequency data for this variant in the population databases is considered unreliable, as metrics indicate poor data quality at this position in the gnomAD database. Disruption of this splice site has been observed in individual(s) with Bartter syndrome (PMID: 18391953, 19096086, 20219833, 35628451). In at least one individual the data is consistent with being in trans (on the opposite chromosome) from a pathogenic variant. ClinVar contains an entry for this variant (Variation ID: 1067800). Variants that disrupt the consensus splice site are a relatively common cause of aberrant splicing (PMID: 17576681, 9536098). Algorithms developed to predict the effect of sequence changes on RNA splicing suggest that this variant may disrupt the consensus splice site. For these reasons, this variant has been classified as Pathogenic.

PreventionGenetics, part of Exact Sciences
Classification: Pathogenic for SLC12A1-related condition. Last evaluated: 2025-02-18. Review status: criteria provided, single submitter. Criteria: ACMG Guidelines, 2015. Collection method: clinical testing. Allele origin: germline.
Comment: The SLC12A1 c.3164+1G>A variant is predicted to disrupt the GT donor site and interfere with normal splicing. This variant has been reported in the compound heterozygous state with another pathogenic SLC12A1 variant in individuals with Bartter syndrome (see for example, reported as "intron 25 5' splice gt>at" in Suppl. Table 3, Ji et al. 2008. PubMed ID: 18391953; Brochard et al. 2008. PubMed ID: 19096086; Table S3, Palazzo et al. 2022. PubMed ID: 35628451). This variant is reported in 0.0019% of alleles in individuals of European (Non-Finnish) descent in gnomAD. Variants that disrupt the consensus splice donor site in SLC12A1 are expected to be pathogenic. This variant is interpreted as pathogenic.

GeneDx
Classification: Pathogenic. Last evaluated: 2023-05-08. Review status: criteria provided, single submitter. Criteria: GeneDx Variant Classification Process June 2021. Collection method: clinical testing. Allele origin: germline. Affected: yes.
Comment: Canonical splice site variant predicted to result in a null allele in a gene for which loss of function is a known mechanism of disease; Not observed at significant frequency in large population cohorts (gnomAD); This variant is associated with the following publications: (PMID: 19096086, 25525159, 18391953, 20219833)

Fulgent Genetics
Classification: Pathogenic for Bartter disease type 1. Last evaluated: 2022-03-15. Review status: criteria provided, single submitter. Criteria: ACMG Guidelines, 2015. Collection method: clinical testing. Allele origin: unknown.

Literature cited by the submitters: PubMed 18391953 (cited by Labcorp Genetics (formerly Invitae), Labcorp); PubMed 19096086 (cited by Labcorp Genetics (formerly Invitae), Labcorp); PubMed 20219833 (cited by Labcorp Genetics (formerly Invitae), Labcorp); PubMed 35628451 (cited by Labcorp Genetics (formerly Invitae), Labcorp); PubMed 17576681 (cited by Labcorp Genetics (formerly Invitae), Labcorp); PubMed 9536098 (cited by Labcorp Genetics (formerly Invitae), Labcorp).

NM_000338.3(SLC12A1):c.3164+1G>A

Gene: SLC12A1 (solute carrier family 12 member 1; plus strand). Cytogenetic location: 15q21.1.
Variant type: single nucleotide variant.
Coding change: c.3164+1G>A on transcript NM_000338.3 (MANE Select); the canonical splice donor site of the intron after coding-DNA position 3164, G replaced by A.
Molecular consequence: splice donor variant.
Genome position (GRCh38, 1-based): chr15:48,301,383, G>A. VCF-style: chr15-48301383-G-A. GRCh37 (hg19) VCF-style: chr15-48593580-G-A.
Other names: c.3164+1G>A (NM_001384136.1, NM_001184832.2).
Identifiers: ClinVar variation 1067800 (VCV001067800.11), dbSNP rs756057922, ClinGen allele CA7547605.
Genomic context (GRCh38, chr15:48,301,383, plus strand): 5'-CCAAGTTCGACTGAATGAACTCTTACAGGAGCACTCCAGAGCTGCTAATCTCATTGTCCT[G>A]TAAGTATCATTGCAAGCATTGAAGAACATTAGAAATAAATCTTAGGGTTAATGGGTTAAT-3'